The following is an entry in ClinVar:

ClinVar aggregate classification (germline): Likely benign. Review status: criteria provided, single submitter (1 of 4 stars). 2 submissions from 2 submitters: Likely benign (1). 1 of the submissions does not count toward it. Last evaluated 2025-12-03.

Conditions:
DCHS1-related disorder. Also called: DCHS1-related condition.

Allele frequency attached by ClinVar (database versions not stated): TOPMed 0.00006; gnomAD 0.00007; ExAC 0.00008; ESP Exome Variant Server 0.00008; gnomAD exomes 0.00009; 1000 Genomes Project 0.00020; 1000 Genomes Project 30x 0.00031.

Submissions (2):

Labcorp Genetics (formerly Invitae), Labcorp
Classification: Likely benign. Last evaluated: 2025-12-03. Review status: criteria provided, single submitter. Criteria: Invitae Variant Classification Sherloc (09022015). Collection method: clinical testing. Allele origin: germline.

PreventionGenetics, part of Exact Sciences
Classification: Likely benign for DCHS1-related condition. Last evaluated: 2022-03-09. Review status: no assertion criteria provided. Collection method: clinical testing. Allele origin: germline. Not counted in ClinVar's aggregate classification.
Comment: This variant is classified as likely benign based on ACMG/AMP sequence variant interpretation guidelines (Richards et al. 2015 PMID: 25741868, with internal and published modifications).

NM_003737.4(DCHS1):c.8775C>T (p.Thr2925=)

Gene: DCHS1 (dachsous cadherin-related 1; minus strand). Cytogenetic location: 11p15.4.
Variant type: single nucleotide variant.
Coding change: c.8775C>T on transcript NM_003737.4 (MANE Select); coding-DNA position 8775, C replaced by T.
Protein change: p.Thr2925=; no amino-acid change (threonine 2925 retained).
Molecular consequence: synonymous variant.
Genome position (GRCh38, 1-based): chr11:6,622,901, G>A on the plus strand (C>T on the coding strand, the complement: DCHS1 is on the minus strand). VCF-style: chr11-6622901-G-A. GRCh37 (hg19) VCF-style: chr11-6644132-G-A.
Other names: c.8775C>T (NM_003737.3).
Identifiers: ClinVar variation 2418412 (VCV002418412.9), dbSNP rs117175883, ClinGen allele CA5859362.